The following is an entry in ClinVar:

NM_000059.4(BRCA2):c.3719dup (p.Phe1241fs)

Gene: BRCA2 (BRCA2 DNA repair associated; plus strand). Cytogenetic location: 13q13.1.
Variant type: Duplication.
Coding change: c.3719dup on transcript NM_000059.4 (MANE Select); coding-DNA position 3719, one base duplicated (T; older notation c.3719dupT).
Protein change: p.Phe1241fs; shifts the reading frame from phenylalanine 1241.
Molecular consequence: frameshift variant.
Genome position (GRCh38, 1-based): chr13:32,338,074, T duplicated. VCF-style (leftmost placement, unchanged base first): chr13-32338073-C-CT. GRCh37 (hg19) VCF-style: chr13-32912210-C-CT.
Other names: c.3719dupT (NM_000059.4); short protein forms F1241fs.
Identifiers: ClinVar variation 1683379 (VCV001683379.3), dbSNP rs2137499319, ClinGen allele CA2573149331.
Genomic context (GRCh38, chr13:32,338,073, plus strand): 5'-TATTCTGCTCATGGCACAAAACTGAATGTTTCTACTGAAGCTCTGCAAAAAGCTGTGAAA[C>CT]TGTTTAGTGATATTGAGAATATTAGTGAGGAAACTTCTGCAGAGGTACATCCAATAAGTT-3'

ClinVar aggregate classification (germline): Pathogenic. Review status: criteria provided, multiple submitters, no conflicts (2 of 4 stars). 2 submissions from 2 submitters: Pathogenic (2). Last evaluated 2026-03-10.

Conditions:
Hereditary cancer-predisposing syndrome. Also called: Hereditary neoplastic syndrome; Tumor predisposition; Neoplastic Syndromes, Hereditary; Hereditary Cancer Syndrome. Identifiers: Orphanet 140162, MedGen C0027672, MeSH D009386, MONDO:0015356.
Hereditary breast ovarian cancer syndrome. Also called: Hereditary breast and/or ovarian cancer syndrome; Hereditary breast and ovarian cancer syndrome; Hereditary breast and ovarian cancer syndrome (HBOC); Hereditary breast and ovarian cancer; BRCA1- and BRCA2-Associated Hereditary Breast and Ovarian Cancer; Breast and ovarian cancer. Identifiers: Orphanet 145, MedGen C0677776, MeSH D061325, MONDO:0003582. Disease mechanism: loss of function.

Submissions (2):

Women's Health and Genetics/Laboratory Corporation of America, LabCorp
Classification: Pathogenic for Hereditary breast ovarian cancer syndrome. Last evaluated: 2026-03-10. Review status: criteria provided, single submitter. Criteria: LabCorp Variant Classification Summary - May 2015. Collection method: clinical testing. Allele origin: germline.
Comment: Variant summary: BRCA2 c.3719dupT (p.Phe1241ValfsX2) results in a premature termination codon, predicted to cause a truncation of the encoded protein or absence of the protein due to nonsense mediated decay, which are commonly known mechanisms for disease. The variant was absent in 248910 control chromosomes. To our knowledge, no occurrence of c.3719dupT in individuals affected with BRCA2-related conditions and no experimental evidence demonstrating its impact on protein function have been reported. ClinVar contains an entry for this variant (Variation ID: 1683379). Based on the evidence outlined above, the variant was classified as pathogenic.

Ambry Genetics
Classification: Pathogenic for Hereditary cancer-predisposing syndrome. Last evaluated: 2025-01-08. Review status: criteria provided, single submitter. Criteria: Ambry Variant Classification Scheme 2023. Collection method: clinical testing. Allele origin: germline.
Comment: The c.3719dupT pathogenic mutation, located in coding exon 10 of the BRCA2 gene, results from a duplication of T at nucleotide position 3719, causing a translational frameshift with a predicted alternate stop codon (p.F1241Vfs*2). This variant is considered to be rare based on population cohorts in the Genome Aggregation Database (gnomAD). This alteration is expected to result in loss of function by premature protein truncation or nonsense-mediated mRNA decay. As such, this alteration is interpreted as a disease-causing mutation.